The following is an entry in ClinVar:

ClinVar aggregate classification (germline): Uncertain significance. Review status: criteria provided, multiple submitters, no conflicts (2 of 4 stars). 3 submissions from 3 submitters: Uncertain significance (3). Last evaluated 2024-03-18.

Conditions:
Hereditary cancer-predisposing syndrome. Also called: Neoplastic Syndromes, Hereditary; Tumor predisposition; Hereditary neoplastic syndrome; Hereditary Cancer Syndrome. Identifiers: Orphanet 140162, MedGen C0027672, MeSH D009386, MONDO:0015356.
Familial adenomatous polyposis 1 (FAP1). Also called: POLYPOSIS, ADENOMATOUS INTESTINAL; FAMILIAL ADENOMATOUS POLYPOSIS 1, ATTENUATED. Identifiers: MedGen C2713442, MONDO:0021056, OMIM 175100. Disease mechanism: loss of function.

gnomAD v4.1: 2 of 1,614,126 alleles (0.00012%); highest among the groups gnomAD compares: East Asian, 0.0022%; no homozygotes.

Submissions (3):

Color Diagnostics, LLC DBA Color Health
Classification: Uncertain significance for Hereditary cancer-predisposing syndrome. Last evaluated: 2024-03-18. Review status: criteria provided, single submitter. Criteria: ACMG Guidelines, 2015. Collection method: clinical testing. Allele origin: germline.
Comment: This missense variant replaces arginine with leucine at codon 1640 of the APC protein. Computational prediction suggests that this variant may not impact protein structure and function (internally defined REVEL score threshold <= 0.5, PMID: 27666373). To our knowledge, functional studies have not been reported for this variant. This variant has not been reported in individuals affected with APC-related disorders in the literature. This variant has not been identified in the general population by the Genome Aggregation Database (gnomAD). The available evidence is insufficient to determine the role of this variant in disease conclusively. Therefore, this variant is classified as a Variant of Uncertain Significance.

Labcorp Genetics (formerly Invitae), Labcorp
Classification: Uncertain significance for Familial adenomatous polyposis 1. Last evaluated: 2021-05-13. Review status: criteria provided, single submitter. Criteria: Invitae Variant Classification Sherloc (09022015). Collection method: clinical testing. Allele origin: germline.
Comment: This sequence change replaces arginine with leucine at codon 1640 of the APC protein (p.Arg1640Leu). The arginine residue is highly conserved and there is a moderate physicochemical difference between arginine and leucine. This variant is not present in population databases (ExAC no frequency). This variant has not been reported in the literature in individuals with APC-related conditions. ClinVar contains an entry for this variant (Variation ID: 825288). Algorithms developed to predict the effect of missense changes on protein structure and function (SIFT, PolyPhen-2, Align-GVGD) all suggest that this variant is likely to be disruptive, but these predictions have not been confirmed by published functional studies and their clinical significance is uncertain. In summary, the available evidence is currently insufficient to determine the role of this variant in disease. Therefore, it has been classified as a Variant of Uncertain Significance.

Ambry Genetics
Classification: Uncertain significance for Hereditary cancer-predisposing syndrome. Last evaluated: 2018-11-26. Review status: criteria provided, single submitter. Criteria: Ambry Variant Classification Scheme 2023. Collection method: clinical testing. Allele origin: germline.
Comment: The p.R1640L variant (also known as c.4919G>T), located in coding exon 15 of the APC gene, results from a G to T substitution at nucleotide position 4919. The arginine at codon 1640 is replaced by leucine, an amino acid with dissimilar properties. A different alteration at this position, p.R1640Q, was reported in an individual with early onset colorectal cancer; however, it was also reported in a cohort of 681 ancestrally diverse, healthy subjects (Pearlman R et al. JAMA Oncol. 2017 Apr;3:464-471; Bodian DL et al. PLoS ONE. 2014 Apr;9:e94554). In addition, p.R1640W (designated as 1841Arg>Trp) was reported in a familial adenomatous polyposis (FAP) kindred and segregated with disease in multiple affected family members; however, the presence of a gross deletion in APC was not ruled out in these samples (Stella A et al. Hum Mol Genet. 1994 Sep;3(9):1687-8). More recently, p.R1640W was detected in conjunction with a second missense variant in a FAP patient, but no familial testing to determine segregation with disease was performed (Scott R et al. Hered Cancer Clin Pract. 2004;2(2):81-91). This amino acid position is highly conserved in available vertebrate species. In addition, p.R1640L is predicted to be probably damaging and deleterious by PolyPhen and SIFT in silico analyses, respectively. Since supporting evidence is limited at this time, the clinical significance of this alteration remains unclear.

NM_000038.6(APC):c.4919G>T (p.Arg1640Leu)

Gene: APC (APC regulator of Wnt signaling pathway; plus strand). Cytogenetic location: 5q22.2.
Variant type: single nucleotide variant.
Coding change: c.4919G>T on transcript NM_000038.6 (MANE Select); coding-DNA position 4919, G replaced by T.
Protein change: p.Arg1640Leu; replaces arginine 1640 with leucine.
Molecular consequence: missense variant.
Genome position (GRCh38, 1-based): chr5:112,840,513, G>T. VCF-style: chr5-112840513-G-T. GRCh37 (hg19) VCF-style: chr5-112176210-G-T.
Other names: c.4919G>T, p.Arg1640Leu (NM_001127510.3, NM_001354895.2); c.4865G>T, p.Arg1622Leu (NM_001127511.3); c.4973G>T, p.Arg1658Leu (NM_001354896.2); c.4949G>T, p.Arg1650Leu (NM_001354897.2); c.4844G>T, p.Arg1615Leu (NM_001354898.2); c.4835G>T, p.Arg1612Leu (NM_001354899.2); c.4796G>T, p.Arg1599Leu (NM_001354900.2); c.4742G>T, p.Arg1581Leu (NM_001354901.2); and 5 more; short protein forms R1549L, R1581L, R1640L, R1357L, R1514L, R1539L, R1615L, R1622L.
Identifiers: ClinVar variation 825288 (VCV000825288.13), dbSNP rs529480958, ClinGen allele CA16032108.